The following is an entry in ClinVar:

NM_017763.6(RNF43):c.1586G>A (p.Arg529Gln)

Gene: RNF43 (ring finger protein 43; minus strand). Cytogenetic location: 17q22.
Variant type: single nucleotide variant.
Coding change: c.1586G>A on transcript NM_017763.6 (MANE Select); coding-DNA position 1586, G replaced by A.
Protein change: p.Arg529Gln; replaces arginine 529 with glutamine.
Molecular consequence: missense variant.
Genome position (GRCh38, 1-based): chr17:58,358,190, C>T on the plus strand (G>A on the coding strand, the complement: RNF43 is on the minus strand). VCF-style: chr17-58358190-C-T. GRCh37 (hg19) VCF-style: chr17-56435551-C-T.
Other names: c.1205G>A, p.Arg402Gln (NM_001305545.2); c.1586G>A, p.Arg529Gln (NM_001305544.3); short protein forms R529Q, R402Q.
Identifiers: ClinVar variation 1415934 (VCV001415934.9), dbSNP rs753874515, ClinGen allele CA8673153.

ClinVar aggregate classification (germline): Uncertain significance. Review status: criteria provided, multiple submitters, no conflicts (2 of 4 stars). 4 submissions from 4 submitters: Uncertain significance (4). Last evaluated 2025-03-04.

Conditions:
Hyperplastic polyposis syndrome. Identifiers: Orphanet 157798, MedGen C4296896, MONDO:0015524.
Sessile serrated polyposis cancer syndrome (SSPCS). Identifiers: Orphanet 157798, MedGen C4310714, MONDO:0014919, OMIM 617108.

Allele frequency attached by ClinVar (database versions not stated): ExAC 0.00001.

Submissions (4):

Center for Genomic Medicine, Rigshospitalet, Copenhagen University Hospital
Classification: Uncertain significance. Last evaluated: 2025-03-04. Review status: criteria provided, single submitter. Criteria: ACMG Guidelines, 2015. Collection method: clinical testing. Allele origin: germline.

Labcorp Genetics (formerly Invitae), Labcorp
Classification: Uncertain significance. Last evaluated: 2024-04-29. Review status: criteria provided, single submitter. Criteria: Invitae Variant Classification Sherloc (09022015). Collection method: clinical testing. Allele origin: germline.
Comment: This sequence change replaces arginine, which is basic and polar, with glutamine, which is neutral and polar, at codon 529 of the RNF43 protein (p.Arg529Gln). This variant is not present in population databases (gnomAD no frequency). This variant has not been reported in the literature in individuals affected with RNF43-related conditions. ClinVar contains an entry for this variant (Variation ID: 1415934). An algorithm developed to predict the effect of missense changes on protein structure and function (PolyPhen-2) suggests that this variant is likely to be disruptive. In summary, the available evidence is currently insufficient to determine the role of this variant in disease. Therefore, it has been classified as a Variant of Uncertain Significance.

Baylor Genetics
Classification: Uncertain significance for Sessile serrated polyposis cancer syndrome. Last evaluated: 2023-06-15. Review status: criteria provided, single submitter. Criteria: ACMG Guidelines, 2015. Collection method: clinical testing. Allele origin: unknown.

Department of Pathology and Laboratory Medicine, Sinai Health System
Classification: Uncertain significance for Hyperplastic polyposis syndrome. Last evaluated: 2022-05-03. Review status: criteria provided, single submitter. Criteria: ACMG Guidelines, 2015. Collection method: clinical testing. Allele origin: germline. Affected: yes.